The following is an entry in ClinVar:

ClinVar aggregate classification (germline): Benign/Likely benign. Review status: criteria provided, multiple submitters, no conflicts (2 of 4 stars). 9 submissions from 9 submitters: Benign (8); Likely benign (1). Last evaluated 2026-02-04.

Conditions:
Primary ciliary dyskinesia 14. Also called: CILIARY DYSKINESIA, PRIMARY, 14, WITH OR WITHOUT SITUS INVERSUS. Identifiers: Orphanet 244, MedGen C3151136, MONDO:0013434, OMIM 613807.
Primary ciliary dyskinesia. Also called: Ciliary dyskinesia. Identifiers: Orphanet 244, MedGen C0008780, MONDO:0016575, HP:0012265.

Allele frequency attached by ClinVar (database versions not stated): gnomAD 0.09489 and 0.09202; 1000 Genomes Project 30x 0.10618; TOPMed 0.10079; 1000 Genomes Project 0.10264; ExAC 0.08661; gnomAD exomes 0.05558; ESP Exome Variant Server 0.09419.
gnomAD v4.1: 73,988 of 1,483,642 alleles (5%); highest among the groups gnomAD compares: African/African-American, 21%; 3,162 homozygotes.

Submissions (9):

Labcorp Genetics (formerly Invitae), Labcorp
Classification: Benign for Primary ciliary dyskinesia. Last evaluated: 2026-02-04. Review status: criteria provided, single submitter. Criteria: Invitae Variant Classification Sherloc (09022015). Collection method: clinical testing. Allele origin: germline.

Blueprint Genetics
Classification: Likely benign. Last evaluated: 2024-11-26. Review status: criteria provided, single submitter. Criteria: ACMG Guidelines, 2015. Collection method: clinical testing. Allele origin: germline.

Mayo Clinic Laboratories, Mayo Clinic
Classification: Benign. Last evaluated: 2022-04-26. Review status: criteria provided, single submitter. Criteria: ACMG Guidelines, 2015. Collection method: clinical testing. Allele origin: germline. Observed: 23 variant alleles.

GeneDx
Classification: Benign. Last evaluated: 2019-02-21. Review status: criteria provided, single submitter. Criteria: GeneDx Variant Classification Process June 2021. Collection method: clinical testing. Allele origin: germline. Affected: yes.

Illumina Laboratory Services, Illumina
Classification: Benign for Primary ciliary dyskinesia 14. Last evaluated: 2018-01-13. Review status: criteria provided, single submitter. Criteria: ICSL Variant Classification Criteria 13 December 2019. Collection method: clinical testing. Allele origin: germline.
Comment: This variant was observed in the ICSL laboratory as part of a predisposition screen in an ostensibly healthy population. It had not been previously curated by ICSL or reported in the Human Gene Mutation Database (HGMD: prior to June 1st, 2018), and was therefore a candidate for classification through an automated scoring system. Utilizing variant allele frequency, disease prevalence and penetrance estimates, and inheritance mode, an automated score was calculated to assess if this variant is too frequent to cause the disease. Based on the score and internal cut-off values, a variant classified as benign is not then subjected to further curation. The score for this variant resulted in a classification of benign for this disease.

Ambry Genetics
Classification: Benign for Primary ciliary dyskinesia. Last evaluated: 2016-07-26. Review status: criteria provided, single submitter. Criteria: Ambry Variant Classification Scheme 2023. Collection method: clinical testing. Allele origin: germline.

Laboratory for Molecular Medicine, Mass General Brigham Personalized Medicine
Classification: Benign. Last evaluated: 2013-02-21. Review status: criteria provided, single submitter. Criteria: LMM Criteria. Collection method: clinical testing. Allele origin: germline. Observed: 18 variant alleles.
Comment: Leu767Leu in exon 17 of CCDC39: This variant is not expected to have clinical si gnificance because it does not alter an amino acid residue and is not located wi thin the splice consensus sequence. It has been identified in 20.2% (724/3588) o f African American chromosomes from a broad population by the NHLBI Exome Sequen cing Project (dbSNP rs11914833).

Breakthrough Genomics
Classification: Benign. Review status: criteria provided, single submitter. Criteria: ACMG Guidelines, 2015. Collection method: not provided. Allele origin: germline. Inheritance: Autosomal recessive inheritance. Affected: yes.

PreventionGenetics, part of Exact Sciences
Classification: Benign. Review status: criteria provided, single submitter. Criteria: ACMG Guidelines, 2015. Collection method: clinical testing. Allele origin: germline.

NM_181426.2(CCDC39):c.2301G>A (p.Leu767=)

Genes: CCDC39 (coiled-coil domain 39 molecular ruler complex subunit; minus strand), TTC14 (tetratricopeptide repeat domain 14; plus strand). Cytogenetic location: 3q26.33.
Variant type: single nucleotide variant.
Coding change: c.2301G>A on transcript NM_181426.2 (MANE Select); coding-DNA position 2301, G replaced by A.
Protein change: p.Leu767=; no amino-acid change (leucine 767 retained).
Molecular consequence: synonymous variant. On other transcripts: intron variant (1).
Genome position (GRCh38, 1-based): chr3:180,616,931, C>T on the plus strand (G>A on the coding strand, the complement: CCDC39 is on the minus strand). VCF-style: chr3-180616931-C-T. GRCh37 (hg19) VCF-style: chr3-180334719-C-T.
Other names: p.Leu767=; c.1775-449C>T (NM_001288582.2).
Identifiers: ClinVar variation 162840 (VCV000162840.26), dbSNP rs11914833, ClinGen allele CA175415.